The following is an entry in ClinVar:

NM_002485.5(NBN):c.393_400del (p.Ile132fs)

Gene: NBN (nibrin; minus strand). Cytogenetic location: 8q21.3.
Variant type: Deletion.
Coding change: c.393_400del on transcript NM_002485.5 (MANE Select); coding-DNA positions 393 to 400, 8 bases deleted (TATATTGC; older notation c.393_400delTATATTGC).
Protein change: p.Ile132fs; shifts the reading frame from isoleucine 132.
Molecular consequence: frameshift variant.
Genome position (GRCh38, 1-based): chr8:89,980,814-89,980,821, GCAATATA deleted on the plus strand (TATATTGC on the coding strand, the reverse complement: NBN is on the minus strand); deleting any 8 consecutive bases within chr8:89,980,814-89,980,823 gives the same sequence; the c. name uses the placement nearest the transcript's 3' end. VCF-style (leftmost placement, unchanged base first): chr8-89980813-TGCAATATA-T. GRCh37 (hg19) VCF-style: chr8-90993041-TGCAATATA-T.
Other names: c.147_154del, p.Ile50fs (NM_001024688.3); short protein forms I132fs, I50fs.
Identifiers: ClinVar variation 1369636 (VCV001369636.8), dbSNP rs2129909528, ClinGen allele CA2573143449.

ClinVar aggregate classification (germline): Pathogenic. Review status: criteria provided, multiple submitters, no conflicts (2 of 4 stars). 2 submissions from 2 submitters: Pathogenic (2). Last evaluated 2022-06-13.

Conditions:
Hereditary cancer-predisposing syndrome. Also called: Hereditary neoplastic syndrome; Hereditary Cancer Syndrome; Neoplastic Syndromes, Hereditary; Tumor predisposition. Identifiers: Orphanet 140162, MedGen C0027672, MeSH D009386, MONDO:0015356.
Microcephaly, normal intelligence and immunodeficiency (NBS). Also called: Nijmegen breakage syndrome; SEEMANOVA SYNDROME II; IMMUNODEFICIENCY, MICROCEPHALY, AND CHROMOSOMAL INSTABILITY; Immunodeficiency, microcephaly with normal intelligence; Ataxia telangiectasia variant V1; Microcephaly with normal intelligence immunodeficiency and lymphoreticular malignancies. Identifiers: Orphanet 647, MedGen C0398791, MONDO:0009623, OMIM 251260.

Submissions (2):

Labcorp Genetics (formerly Invitae), Labcorp
Classification: Pathogenic for Microcephaly, normal intelligence and immunodeficiency. Last evaluated: 2022-06-13. Review status: criteria provided, single submitter. Criteria: Invitae Variant Classification Sherloc (09022015). Collection method: clinical testing. Allele origin: germline.
Comment: For these reasons, this variant has been classified as Pathogenic. This variant has not been reported in the literature in individuals affected with NBN-related conditions. This variant is not present in population databases (gnomAD no frequency). This sequence change creates a premature translational stop signal (p.Ile132Thrfs*26) in the NBN gene. It is expected to result in an absent or disrupted protein product. Loss-of-function variants in NBN are known to be pathogenic (PMID: 9590180, 16415040).

Ambry Genetics
Classification: Pathogenic for Hereditary cancer-predisposing syndrome. Last evaluated: 2021-01-11. Review status: criteria provided, single submitter. Criteria: Ambry Variant Classification Scheme 2023. Collection method: clinical testing. Allele origin: germline.
Comment: The c.393_400delTATATTGC pathogenic mutation, located in coding exon 4 of the NBN gene, results from a deletion of 8 nucleotides at nucleotide positions 393 to 400, causing a translational frameshift with a predicted alternate stop codon (p.I132Tfs*26). This alteration is expected to result in loss of function by premature protein truncation or nonsense-mediated mRNA decay. As such, this alteration is interpreted as a disease-causing mutation.

Literature cited by the submitters: PubMed 9590180 (cited by Labcorp Genetics (formerly Invitae), Labcorp); PubMed 16415040 (cited by Labcorp Genetics (formerly Invitae), Labcorp).